The following is an entry in ClinVar:

GRCh38/hg38 6q25.1(chr6:151369093-151518210)x3

Genes: ARMT1 (acidic residue methyltransferase 1; plus strand), CCDC170 (coiled-coil domain containing 170; plus strand), RMND1 (required for meiotic nuclear division 1 homolog; minus strand), ZBTB2 (zinc finger and BTB domain containing 2; minus strand), LOC123881338 (Sharpr-MPRA regulatory region 1820; plus strand) and 7 more. Cytogenetic location: 6q25.1.
Variant type: copy number gain.
Change: copy number 3 (three copies instead of two) of chr6:151,369,093-151,518,210 (149.1 kb, GRCh38 coordinates, 1-based), cytogenetic band 6q25.1.
Identifiers: ClinVar variation 59801 (VCV000059801.1).

ClinVar aggregate classification (germline): Benign (1 of 4 stars; one submission).

Submission:

ISCA site 15
Classification: Benign. Last evaluated: 2011-08-12. Review status: criteria provided, single submitter. Criteria: Kaminsky et al. (Genet Med. 2011). Collection method: clinical testing. Allele origin: maternal. Affected: yes. Observed: 1 variant allele.
Comment: Copy number variation identified through the course of routine clinical cytogenomic testing in postnatal populations. Clinical assertions have been curated as described in Kaminsky et al. 2011.